The following is an entry in ClinVar:

NM_000222.3(KIT):c.2803-4C>T

Gene: KIT (KIT proto-oncogene, receptor tyrosine kinase; plus strand). Cytogenetic location: 4q12.
Variant type: single nucleotide variant.
Coding change: c.2803-4C>T on transcript NM_000222.3 (MANE Select); 4 bases into the intron before coding-DNA position 2803, C replaced by T.
Molecular consequence: intron variant.
Genome position (GRCh38, 1-based): chr4:54,738,425, C>T. VCF-style: chr4-54738425-C-T. GRCh37 (hg19) VCF-style: chr4-55604591-C-T.
Other names: c.2806-4C>T (NM_001385284.1); c.2803-4C>T (NM_001385290.1); c.2794-4C>T (NM_001385288.1); c.2791-4C>T (NM_001385292.1, NM_001093772.2); c.2800-4C>T (NM_001385285.1); c.2788-4C>T (NM_001385286.1).
Identifiers: ClinVar variation 4875924 (VCV004875924.1).

ClinVar aggregate classification (germline): Likely benign (1 of 4 stars; one submission).

Conditions:
Gastrointestinal stromal tumor. Also called: Gastrointestinal stromal tumor, somatic; Gastrointestinal stroma tumor. Identifiers: Orphanet 44890, MedGen C0238198, MeSH D046152, MONDO:0011719, OMIM 606764, HP:0100723.

Submission:

Myriad Genetics, Inc.
Classification: Likely benign for Gastrointestinal stromal tumor. Last evaluated: 2026-06-02. Review status: criteria provided, single submitter. Criteria: Myriad Autosomal Dominant, Autosomal Recessive and X-Linked Classification Criteria (2023). Collection method: clinical testing. Allele origin: unknown.
Comment: This variant is considered likely benign. This variant is intronic and is not expected to impact mRNA splicing.